The following is an entry in ClinVar:

NM_004360.5(CDH1):c.2492T>G (p.Leu831Arg)

Gene: CDH1 (cadherin 1; plus strand). Cytogenetic location: 16q22.1.
Variant type: single nucleotide variant.
Coding change: c.2492T>G on transcript NM_004360.5 (MANE Select); coding-DNA position 2492, T replaced by G.
Protein change: p.Leu831Arg; replaces leucine 831 with arginine.
Molecular consequence: missense variant.
Genome position (GRCh38, 1-based): chr16:68,833,342, T>G. VCF-style: chr16-68833342-T-G. GRCh37 (hg19) VCF-style: chr16-68867245-T-G.
Other names: c.2309T>G, p.Leu770Arg (NM_001317184.2); c.944T>G, p.Leu315Arg (NM_001317185.2); c.527T>G, p.Leu176Arg (NM_001317186.2); short protein forms L770R, L176R, L315R, L831R.
Identifiers: ClinVar variation 2820393 (VCV002820393.4), dbSNP rs1961535355, ClinGen allele CA396472142.

ClinVar aggregate classification (germline): Uncertain significance. Review status: criteria provided, multiple submitters, no conflicts (2 of 4 stars). 2 submissions from 2 submitters: Uncertain significance (2). Last evaluated 2026-07-07.

Conditions:
Hereditary diffuse gastric adenocarcinoma (HDGC). Also called: DIFFUSE GASTRIC AND LOBULAR BREAST CANCER SYNDROME. Identifiers: Orphanet 26106, MedGen C1708349, MONDO:0007648, OMIM 137215.
Hereditary cancer-predisposing syndrome. Also called: Hereditary Cancer Syndrome; Hereditary neoplastic syndrome; Neoplastic Syndromes, Hereditary; Tumor predisposition. Identifiers: Orphanet 140162, MedGen C0027672, MeSH D009386, MONDO:0015356.

Allele frequency attached by ClinVar (database versions not stated): gnomAD 0.00001.
gnomAD v4.1: 1 of 1,614,116 alleles (0.000062%); highest among the groups gnomAD compares: African/African-American, 0.0013%; no homozygotes.

Submissions (2):

Ambry Genetics
Classification: Uncertain significance for Hereditary cancer-predisposing syndrome. Last evaluated: 2026-07-07. Review status: criteria provided, single submitter. Criteria: Ambry Variant Classification Scheme 2023. Collection method: clinical testing. Allele origin: germline.
Comment: The p.L831R variant (also known as c.2492T>G), located in coding exon 16 of the CDH1 gene, results from a T to G substitution at nucleotide position 2492. The leucine at codon 831 is replaced by arginine, an amino acid with dissimilar properties. This amino acid position is conserved. In addition, this alteration is predicted to be deleterious by in silico analysis. Based on the available evidence, the clinical significance of this variant remains unclear.

Labcorp Genetics (formerly Invitae), Labcorp
Classification: Uncertain significance for Hereditary diffuse gastric adenocarcinoma. Last evaluated: 2024-06-21. Review status: criteria provided, single submitter. Criteria: Invitae Variant Classification Sherloc (09022015). Collection method: clinical testing. Allele origin: germline.
Comment: This sequence change replaces leucine, which is neutral and non-polar, with arginine, which is basic and polar, at codon 831 of the CDH1 protein (p.Leu831Arg). This variant is not present in population databases (gnomAD no frequency). This variant has not been reported in the literature in individuals affected with CDH1-related conditions. An algorithm developed to predict the effect of missense changes on protein structure and function (PolyPhen-2) suggests that this variant is likely to be disruptive. In summary, the available evidence is currently insufficient to determine the role of this variant in disease. Therefore, it has been classified as a Variant of Uncertain Significance.